The following is an entry in ClinVar:

NM_006642.5(SDCCAG8):c.1588G>A (p.Glu530Lys)

Gene: SDCCAG8 (SHH signaling and ciliogenesis regulator SDCCAG8; plus strand). Cytogenetic location: 1q43.
Variant type: single nucleotide variant.
Coding change: c.1588G>A on transcript NM_006642.5 (MANE Select); coding-DNA position 1588, G replaced by A.
Protein change: p.Glu530Lys; replaces glutamic acid 530 with lysine.
Molecular consequence: missense variant.
Genome position (GRCh38, 1-based): chr1:243,378,835, G>A. VCF-style: chr1-243378835-G-A. GRCh37 (hg19) VCF-style: chr1-243542137-G-A.
Other names: c.685G>A, p.Glu229Lys (NM_001350246.2, NM_001350247.2, NM_001350251.2); c.1684G>A, p.Glu562Lys (NM_001350248.2); c.1294G>A, p.Glu432Lys (NM_001350249.2); short protein forms E229K, E530K, E432K, E562K.
Identifiers: ClinVar variation 876576 (VCV000876576.12), dbSNP rs190020173, ClinGen allele CA1483683.

ClinVar aggregate classification (germline): Uncertain significance. Review status: criteria provided, multiple submitters, no conflicts (2 of 4 stars). 5 submissions from 4 submitters: Uncertain significance (5). Last evaluated 2026-01-12.

Conditions:
Inborn genetic diseases. Identifiers: MedGen C0950123, MeSH D030342.
Bardet-Biedl syndrome 16 (BBS16). Identifiers: Orphanet 110, MedGen C3889474, MONDO:0014444, OMIM 615993.
Senior-Loken syndrome 7 (SLSN7). Identifiers: Orphanet 3156, MedGen C3150877, MONDO:0013326, OMIM 613615.
SDCCAG8-related disorder. Also called: SDCCAG8-Related Disorders; SDCCAG8-related condition.

Allele frequency attached by ClinVar (database versions not stated): ExAC 0.00002; gnomAD exomes 0.00002; TOPMed 0.00002; gnomAD 0.00003 and 0.00004.

Submissions (5):

PreventionGenetics, part of Exact Sciences
Classification: Uncertain significance for SDCCAG8-related condition. Last evaluated: 2026-01-12. Review status: criteria provided, single submitter. Criteria: ACMG Guidelines, 2015. Collection method: clinical testing. Allele origin: germline.
Comment: The SDCCAG8 c.1588G>A variant is predicted to result in the amino acid substitution p.Glu530Lys. To our knowledge, this variant has not been reported in the literature. This variant is reported in 0.0050% of alleles in individuals of East Asian descent in gnomAD. At this time, the clinical significance of this variant is uncertain due to the absence of conclusive functional and genetic evidence.

Ambry Genetics
Classification: Uncertain significance for Inborn genetic diseases. Last evaluated: 2025-10-18. Review status: criteria provided, single submitter. Criteria: Ambry Variant Classification Scheme 2023. Collection method: clinical testing. Allele origin: germline.

Labcorp Genetics (formerly Invitae), Labcorp
Classification: Uncertain significance for Bardet-Biedl syndrome 16; Senior-Loken syndrome 7. Last evaluated: 2021-12-01. Review status: criteria provided, single submitter. Criteria: Invitae Variant Classification Sherloc (09022015). Collection method: clinical testing. Allele origin: germline.
Comment: In summary, the available evidence is currently insufficient to determine the role of this variant in disease. Therefore, it has been classified as a Variant of Uncertain Significance. Algorithms developed to predict the effect of missense changes on protein structure and function output the following: SIFT: "Tolerated"; PolyPhen-2: "Benign"; Align-GVGD: "Class C0". The lysine amino acid residue is found in multiple mammalian species, which suggests that this missense change does not adversely affect protein function. ClinVar contains an entry for this variant (Variation ID: 876576). This variant has not been reported in the literature in individuals affected with SDCCAG8-related conditions. This variant is present in population databases (rs190020173, gnomAD 0.005%). This sequence change replaces glutamic acid, which is acidic and polar, with lysine, which is basic and polar, at codon 530 of the SDCCAG8 protein (p.Glu530Lys).

Illumina Laboratory Services, Illumina
Classification: Uncertain significance for Senior-Loken syndrome 7. Last evaluated: 2018-01-13. Review status: criteria provided, single submitter. Criteria: ICSL Variant Classification Criteria 13 December 2019. Collection method: clinical testing. Allele origin: germline.

Illumina Laboratory Services, Illumina
Classification: Uncertain significance for Bardet-Biedl syndrome 16. Last evaluated: 2018-01-13. Review status: criteria provided, single submitter. Criteria: ICSL Variant Classification Criteria 13 December 2019. Collection method: clinical testing. Allele origin: germline.